The following is an entry in ClinVar:

ClinVar aggregate classification (germline): Uncertain significance (1 of 4 stars; one submission).

Conditions:
Hereditary cancer-predisposing syndrome. Also called: Neoplastic Syndromes, Hereditary; Tumor predisposition; Hereditary neoplastic syndrome; Hereditary Cancer Syndrome. Identifiers: Orphanet 140162, MedGen C0027672, MeSH D009386, MONDO:0015356.

Submission:

Ambry Genetics
Classification: Uncertain significance for Hereditary cancer-predisposing syndrome. Last evaluated: 2026-08-20. Review status: criteria provided, single submitter. Criteria: Ambry Variant Classification Scheme 2023. Collection method: clinical testing. Allele origin: germline.
Comment: The c.6427_6428delTCinsAT variant (also known as p.S2143I), located in coding exon 10 of the BRCA2 gene, results from an in-frame deletion of TC and insertion of AT at nucleotide positions 6427 to 6428. This results in the substitution of the serine residue for an isoleucine residue at codon 2143, an amino acid with dissimilar properties. This amino acid position is not well conserved in available vertebrate species. In addition, this variant is predicted to be neutral by in silico analysis (Choi Y et al. PLoS ONE. 2012; 7(10):e46688). Based on the available evidence, the clinical significance of this variant remains unclear.

NM_000059.4(BRCA2):c.6427_6428delinsAT (p.Ser2143Ile)

Gene: BRCA2 (BRCA2 DNA repair associated; plus strand). Cytogenetic location: 13q13.1.
Variant type: Indel.
Coding change: c.6427_6428delinsAT on transcript NM_000059.4 (MANE Select); coding-DNA positions 6427 to 6428, TC replaced by AT.
Protein change: p.Ser2143Ile; replaces serine 2143 with isoleucine.
Molecular consequence: missense variant. On other transcripts: non-coding transcript variant (1), intron variant (2).
Genome position (GRCh38, 1-based): chr13:32,340,782-32,340,783, TC replaced by AT. VCF-style: chr13-32340782-TC-AT. GRCh37 (hg19) VCF-style: chr13-32914919-TC-AT.
Other names: c.6427_6428delinsAT, p.Ser2143Ile (NM_001406719.1, NM_001406720.1, NM_001432077.1); c.1910-3776_1910-3775delinsAT (NM_001406721.1); c.425-3776_425-3775delinsAT (NM_001406722.1); short protein forms S2143I.
Identifiers: ClinVar variation 5033351 (VCV005033351.1).